The following is an entry in ClinVar:

ClinVar aggregate classification (germline): Uncertain significance. Review status: criteria provided, multiple submitters, no conflicts (2 of 4 stars). 2 submissions from 2 submitters: Uncertain significance (2). Last evaluated 2025-09-10.

Conditions:
Colorectal cancer, hereditary nonpolyposis, type 7. Identifiers: Orphanet 144, MedGen C1858380, MONDO:0013725, OMIM 614385.

Allele frequency attached by ClinVar (database versions not stated): gnomAD 0.00001.
gnomAD v4.1: 2 of 1,613,610 alleles (0.00012%); highest among the groups gnomAD compares: African/African-American, 0.0013%; no homozygotes.

Submissions (2):

Ambry Genetics
Classification: Uncertain significance. Last evaluated: 2025-09-10. Review status: criteria provided, single submitter. Criteria: Ambry Variant Classification Scheme 2023. Collection method: clinical testing. Allele origin: germline.
Comment: The p.A438E variant (also known as c.1313C>A), located in coding exon 1 of the MLH3 gene, results from a C to A substitution at nucleotide position 1313. The alanine at codon 438 is replaced by glutamic acid, an amino acid with dissimilar properties. This amino acid position is conserved. In addition, this alteration is predicted to be tolerated by in silico analysis. Based on the available evidence, the clinical significance of this variant remains unclear.

Labcorp Genetics (formerly Invitae), Labcorp
Classification: Uncertain significance for Colorectal cancer, hereditary nonpolyposis, type 7. Last evaluated: 2022-10-12. Review status: criteria provided, single submitter. Criteria: Invitae Variant Classification Sherloc (09022015). Collection method: clinical testing. Allele origin: germline.
Comment: In summary, the available evidence is currently insufficient to determine the role of this variant in disease. Therefore, it has been classified as a Variant of Uncertain Significance. Algorithms developed to predict the effect of missense changes on protein structure and function are either unavailable or do not agree on the potential impact of this missense change (SIFT: "Deleterious"; PolyPhen-2: "Benign"; Align-GVGD: "Class C0"). This variant has not been reported in the literature in individuals affected with MLH3-related conditions. This variant is not present in population databases (gnomAD no frequency). This sequence change replaces alanine, which is neutral and non-polar, with glutamic acid, which is acidic and polar, at codon 438 of the MLH3 protein (p.Ala438Glu).

NM_001040108.2(MLH3):c.1313C>A (p.Ala438Glu)

Gene: MLH3 (mutL homolog 3; minus strand). Cytogenetic location: 14q24.3.
Variant type: single nucleotide variant.
Coding change: c.1313C>A on transcript NM_001040108.2 (MANE Select); coding-DNA position 1313, C replaced by A.
Protein change: p.Ala438Glu; replaces alanine 438 with glutamic acid.
Molecular consequence: missense variant.
Genome position (GRCh38, 1-based): chr14:75,048,343, G>T on the plus strand (C>A on the coding strand, the complement: MLH3 is on the minus strand). VCF-style: chr14-75048343-G-T. GRCh37 (hg19) VCF-style: chr14-75515046-G-T.
Other names: c.1313C>A, p.Ala438Glu (NM_014381.3); short protein forms A438E.
Identifiers: ClinVar variation 1721454 (VCV001721454.6), dbSNP rs1343282239, ClinGen allele CA390446497.